The following is an entry in ClinVar:

ClinVar aggregate classification (germline): Uncertain significance (1 of 4 stars; one submission).

Submission:

Labcorp Genetics (formerly Invitae), Labcorp
Classification: Uncertain significance. Last evaluated: 2023-03-11. Review status: criteria provided, single submitter. Criteria: Invitae Variant Classification Sherloc (09022015). Collection method: clinical testing. Allele origin: germline.
Comment: In summary, the available evidence is currently insufficient to determine the role of this variant in disease. Therefore, it has been classified as a Variant of Uncertain Significance. Advanced modeling of protein sequence and biophysical properties (such as structural, functional, and spatial information, amino acid conservation, physicochemical variation, residue mobility, and thermodynamic stability) has been performed at Invitae for this missense variant, however the output from this modeling did not meet the statistical confidence thresholds required to predict the impact of this variant on BGN protein function. This variant has not been reported in the literature in individuals affected with BGN-related conditions. This variant is not present in population databases (gnomAD no frequency). This sequence change replaces valine, which is neutral and non-polar, with glycine, which is neutral and non-polar, at codon 342 of the BGN protein (p.Val342Gly).

NM_001711.6(BGN):c.1025T>G (p.Val342Gly)

Gene: BGN (biglycan; plus strand). Cytogenetic location: Xq28.
Variant type: single nucleotide variant.
Coding change: c.1025T>G on transcript NM_001711.6 (MANE Select); coding-DNA position 1025, T replaced by G.
Protein change: p.Val342Gly; replaces valine 342 with glycine.
Molecular consequence: missense variant.
Genome position (GRCh38, 1-based): chrX:153,508,363, T>G. VCF-style: chrX-153508363-T-G. GRCh37 (hg19) VCF-style: chrX-152773821-T-G.
Other names: short protein forms V342G.
Identifiers: ClinVar variation 2844978 (VCV002844978.3), dbSNP rs2089818671, ClinGen allele CA415071881.